The following is an entry in ClinVar:

ClinVar aggregate classification (germline): Uncertain significance (1 of 4 stars; one submission).

Conditions:
TBX10-related disorder. Also called: TBX10-related condition.

Submission:

PreventionGenetics, part of Exact Sciences
Classification: Uncertain significance for TBX10-related condition. Last evaluated: 2026-03-26. Review status: criteria provided, single submitter. Criteria: ACMG Guidelines, 2015. Collection method: clinical testing. Allele origin: germline.
Comment: The TBX10 c.16T>C variant is predicted to result in the amino acid substitution p.Ser6Pro. To our knowledge, this variant has not been reported in the literature or in a large population database (gnomAD), indicating this variant is rare. At this time, the clinical significance of this variant is uncertain due to the absence of conclusive functional and genetic evidence.

NM_005995.5(TBX10):c.16T>C (p.Ser6Pro)

Gene: TBX10 (T-box transcription factor 10; minus strand). Cytogenetic location: 11q13.2.
Variant type: single nucleotide variant.
Coding change: c.16T>C on transcript NM_005995.5 (MANE Select); coding-DNA position 16, T replaced by C.
Protein change: p.Ser6Pro; replaces serine 6 with proline.
Molecular consequence: missense variant.
Genome position (GRCh38, 1-based): chr11:67,635,255, A>G on the plus strand (T>C on the coding strand, the complement: TBX10 is on the minus strand). VCF-style: chr11-67635255-A-G. GRCh37 (hg19) VCF-style: chr11-67402726-A-G.
Other names: short protein forms S6P.
Identifiers: ClinVar variation 4994679 (VCV004994679.1).